The following is an entry in ClinVar:

ClinVar aggregate classification (germline): Likely benign. Review status: criteria provided, single submitter (1 of 4 stars). 2 submissions from 2 submitters: Likely benign (1). 1 of the submissions does not count toward it. Last evaluated 2025-11-03.

Conditions:
SIPA1L3-related disorder. Also called: SIPA1L3-related condition.

Allele frequency attached by ClinVar (database versions not stated): gnomAD exomes 0.00011 and 0.00029; ExAC 0.00026; ESP Exome Variant Server 0.00092; 1000 Genomes Project 30x 0.00094; 1000 Genomes Project 0.00100; gnomAD 0.00110 and 0.00118; TOPMed 0.00124.
gnomAD v4.1: 334 of 1,613,168 alleles (0.021%); highest among the groups gnomAD compares: African/African-American, 0.38%; no homozygotes.

Submissions (2):

Labcorp Genetics (formerly Invitae), Labcorp
Classification: Likely benign. Last evaluated: 2025-11-03. Review status: criteria provided, single submitter. Criteria: Invitae Variant Classification Sherloc (09022015). Collection method: clinical testing. Allele origin: germline.

PreventionGenetics, part of Exact Sciences
Classification: Likely benign for SIPA1L3-related condition. Last evaluated: 2024-07-15. Review status: no assertion criteria provided. Collection method: clinical testing. Allele origin: germline. Not counted in ClinVar's aggregate classification.
Comment: This variant is classified as likely benign based on ACMG/AMP sequence variant interpretation guidelines (Richards et al. 2015 PMID: 25741868, with internal and published modifications).

NM_015073.3(SIPA1L3):c.1415G>A (p.Ser472Asn)

Gene: SIPA1L3 (signal induced proliferation associated 1 like 3; plus strand). Cytogenetic location: 19q13.13.
Variant type: single nucleotide variant.
Coding change: c.1415G>A on transcript NM_015073.3 (MANE Select); coding-DNA position 1415, G replaced by A.
Protein change: p.Ser472Asn; replaces serine 472 with asparagine.
Molecular consequence: missense variant.
Genome position (GRCh38, 1-based): chr19:38,082,980, G>A. VCF-style: chr19-38082980-G-A. GRCh37 (hg19) VCF-style: chr19-38573620-G-A.
Other names: c.1415G>A (NM_015073.2); short protein forms S472N.
Identifiers: ClinVar variation 1607670 (VCV001607670.9), dbSNP rs141373470, ClinGen allele CA9409370.